The following is an entry in ClinVar:

ClinVar aggregate classification (germline): Conflicting classifications of pathogenicity. Review status: criteria provided, conflicting classifications (1 of 4 stars). 5 submissions from 5 submitters: Uncertain significance (4); Likely benign (1). Last evaluated 2025-11-04.

Conditions:
Arrhythmogenic cardiomyopathy with wooly hair and keratoderma. Also called: PALMOPLANTAR KERATODERMA WITH LEFT VENTRICULAR CARDIOMYOPATHY AND WOOLLY HAIR; Carvajal syndrome; Dilated cardiomyopathy with woolly hair and keratoderma; Arrhythmogenic cardiomyopathy with woolly hair and keratoderma. Identifiers: Orphanet 65282, MedGen C1854063, MONDO:0011581, OMIM 605676.
Arrhythmogenic right ventricular dysplasia 8 (ARVD8). Also called: Arrhythmogenic Right Ventricular Dysplasia/Cardiomyopathy 8; ARRHYTHMOGENIC RIGHT VENTRICULAR DYSPLASIA, FAMILIAL, 8; ARRHYTHMOGENIC RIGHT VENTRICULAR CARDIOMYOPATHY 8. Identifiers: MedGen C1843896, MONDO:0011831, OMIM 607450.
Cardiovascular phenotype. Identifiers: MedGen CN230736.
Cardiomyopathy (CMYO). Also called: Cardiomyopathies. Identifiers: Orphanet 167848, MedGen C0878544, MONDO:0004994, HP:0001638. Inheritance: Various modes of inheritance.

Allele frequency attached by ClinVar (database versions not stated): gnomAD exomes 0.00001 and 0.00002; TOPMed 0.00001; ExAC 0.00002; gnomAD 0.00002; ESP Exome Variant Server 0.00008.
gnomAD v4.1: 27 of 1,613,912 alleles (0.0017%); highest among the groups gnomAD compares: African/African-American, 0.004%; no homozygotes.

Submissions (5):

Labcorp Genetics (formerly Invitae), Labcorp
Classification: Likely benign for Arrhythmogenic cardiomyopathy with wooly hair and keratoderma; Arrhythmogenic right ventricular dysplasia 8. Last evaluated: 2025-11-04. Review status: criteria provided, single submitter. Criteria: Invitae Variant Classification Sherloc (09022015). Collection method: clinical testing. Allele origin: germline.

All of Us Research Program, National Institutes of Health
Classification: Uncertain significance for Arrhythmogenic cardiomyopathy with wooly hair and keratoderma. Last evaluated: 2024-05-06. Review status: criteria provided, single submitter. Criteria: ACMG Guidelines, 2015. Collection method: clinical testing. Allele origin: germline. Inheritance: Autosomal dominant inheritance. Observed: 4 variant alleles, 4 heterozygotes.
Comment: This missense variant replaces alanine with threonine at codon 2373 of the DSP protein. Computational prediction is inconclusive regarding the impact of this variant on protein structure and function (internally defined REVEL score threshold 0.5 < inconclusive < 0.7, PMID: 27666373). To our knowledge, functional studies have not been reported for this variant. This variant has not been reported in individuals affected with cardiovascular disorders in the literature. This variant has been identified in 4/282772 chromosomes in the general population by the Genome Aggregation Database (gnomAD). The available evidence is insufficient to determine the role of this variant in disease conclusively. Therefore, this variant is classified as a Variant of Uncertain Significance.

This study involves interpretation of variants in research participants for the purpose of population health screening. Participant phenotype was not available at the time of variant classification. Additional details can be found in publication PMID: 35346344, PMCID: PMC8962531

Color Diagnostics, LLC DBA Color Health
Classification: Uncertain significance for Cardiomyopathy. Last evaluated: 2024-03-06. Review status: criteria provided, single submitter. Criteria: ACMG Guidelines, 2015. Collection method: clinical testing. Allele origin: germline.
Comment: This missense variant replaces alanine with threonine at codon 2373 of the DSP protein. Computational prediction is inconclusive regarding the impact of this variant on protein structure and function (internally defined REVEL score threshold 0.5 < inconclusive < 0.7, PMID: 27666373). To our knowledge, functional studies have not been reported for this variant. This variant has not been reported in individuals affected with cardiovascular disorders in the literature. This variant has been identified in 4/282772 chromosomes in the general population by the Genome Aggregation Database (gnomAD). The available evidence is insufficient to determine the role of this variant in disease conclusively. Therefore, this variant is classified as a Variant of Uncertain Significance.

AiLife Diagnostics
Classification: Uncertain significance. Last evaluated: 2022-02-09. Review status: criteria provided, single submitter. Criteria: ACMG Guidelines, 2015. Collection method: clinical testing. Allele origin: germline. Affected: yes. Observed: 1 variant allele.

Ambry Genetics
Classification: Uncertain significance for Cardiovascular phenotype. Last evaluated: 2021-06-22. Review status: criteria provided, single submitter. Criteria: Ambry Variant Classification Scheme 2023. Collection method: clinical testing. Allele origin: germline.
Comment: The p.A2373T variant (also known as c.7117G>A), located in coding exon 24 of the DSP gene, results from a G to A substitution at nucleotide position 7117. The alanine at codon 2373 is replaced by threonine, an amino acid with similar properties. This amino acid position is conserved. In addition, this alteration is predicted to be deleterious by in silico analysis. Since supporting evidence is limited at this time, the clinical significance of this alteration remains unclear.

NM_004415.4(DSP):c.7117G>A (p.Ala2373Thr)

Gene: DSP (desmoplakin; plus strand). Cytogenetic location: 6p24.3.
Variant type: single nucleotide variant.
Coding change: c.7117G>A on transcript NM_004415.4 (MANE Select); coding-DNA position 7117, G replaced by A.
Protein change: p.Ala2373Thr; replaces alanine 2373 with threonine.
Molecular consequence: missense variant.
Genome position (GRCh38, 1-based): chr6:7,584,379, G>A. VCF-style: chr6-7584379-G-A. GRCh37 (hg19) VCF-style: chr6-7584612-G-A.
Other names: c.5320G>A, p.Ala1774Thr (NM_001008844.3); c.5788G>A, p.Ala1930Thr (NM_001319034.2); short protein forms A2373T, A1774T, A1930T.
Identifiers: ClinVar variation 918702 (VCV000918702.16), dbSNP rs373965771, ClinGen allele CA049132.